The following is an entry in ClinVar:

ClinVar aggregate classification (germline): Pathogenic (1 of 4 stars; one submission).

Conditions:
Nephrotic syndrome, type 4 (NPHS4). Also called: Familial mesangial sclerosis; Nephrotic syndrome, early onset with diffuse mesangial sclerosis. Identifiers: Orphanet 656, MedGen C3151568, MONDO:0009733, OMIM 256370.

Submission:

Center for Precision Genome Editing and Genetic Technologies for Biomedicine, Pirogov Russian National Research Medical University
Classification: Pathogenic for Nephrotic syndrome, type 4. Last evaluated: 2023-08-03. Review status: criteria provided, single submitter. Criteria: ACMG Guidelines, 2015. Collection method: clinical testing. Allele origin: unknown. Inheritance: Autosomal dominant inheritance. Affected: yes. Observed: 1 heterozygote.
Comment: This nonsense variant leads to the formation of a premature stop codon, resulting in a reduced amount of protein product, fulfilling the PVS1 criterion. This variant has not been detected in control samples or in patients with Nephrotic Syndrome, Type 4 (OMIM: 256370), thus meeting the PM2 criterion. The BayesDel addAF and BayesDel noAF prediction programs classify this variant as pathogenic, supporting the PP3 criterion. Based on the applied ACMG/AMP criteria (PVS1, PM2, PP3), this variant is classified as Pathogenic for Nephrotic Syndrome, Type 4.

NM_024426.6(WT1):c.1324C>T (p.Gln442Ter)

Gene: WT1 (WT1 transcription factor; minus strand). Cytogenetic location: 11p13.
Variant type: single nucleotide variant.
Coding change: c.1324C>T on transcript NM_024426.6 (MANE Select); coding-DNA position 1324, C replaced by T.
Protein change: p.Gln442Ter; replaces glutamine 442 with a stop codon.
Molecular consequence: nonsense. On other transcripts: non-coding transcript variant (2), intron variant (1).
Genome position (GRCh38, 1-based): chr11:32,392,696, G>A on the plus strand (C>T on the coding strand, the complement: WT1 is on the minus strand). VCF-style: chr11-32392696-G-A. GRCh37 (hg19) VCF-style: chr11-32414242-G-A.
Other names: c.1273C>T, p.Gln425Ter (NM_000378.6, NM_001407045.1, NM_001407049.1); c.673C>T, p.Gln225Ter (NM_001198551.2); c.622C>T, p.Gln208Ter (NM_001198552.2); c.136C>T, p.Gln46Ter (NM_001367854.1); c.1318C>T, p.Gln440Ter (NM_001407044.1); c.1324C>T, p.Gln442Ter (NM_001407046.1, NM_024424.5); c.1201C>T, p.Gln401Ter (NM_001407047.1); c.1150C>T, p.Gln384Ter (NM_001407050.1); and 4 more; short protein forms Q188*, Q208*, Q225*, Q352*, Q369*, Q384*, Q401*, Q425*.
Identifiers: ClinVar variation 3769629 (VCV003769629.2), dbSNP rs2132920130.